The following is an entry in ClinVar:

NM_201384.3(PLEC):c.1772G>A (p.Arg591His)

Gene: PLEC (plectin; minus strand). Cytogenetic location: 8q24.3.
Variant type: single nucleotide variant.
Coding change: c.1772G>A on transcript NM_201384.3 (MANE Select); coding-DNA position 1772, G replaced by A.
Protein change: p.Arg591His; replaces arginine 591 with histidine.
Molecular consequence: missense variant.
Genome position (GRCh38, 1-based): chr8:143,932,678, C>T on the plus strand (G>A on the coding strand, the complement: PLEC is on the minus strand). VCF-style: chr8-143932678-C-T. GRCh37 (hg19) VCF-style: chr8-145006846-C-T.
Other names: c.1853G>A, p.Arg618His (NM_000445.5); c.1730G>A, p.Arg577His (NM_201378.4); c.1706G>A, p.Arg569His (NM_201379.3); c.2183G>A, p.Arg728His (NM_201380.4); c.1676G>A, p.Arg559His (NM_201381.3); c.1772G>A, p.Arg591His (NM_201382.4); c.1784G>A, p.Arg595His (NM_201383.3); short protein forms R569H, R577H, R728H, R591H, R618H, R559H, R595H.
Identifiers: ClinVar variation 950902 (VCV000950902.8), dbSNP rs1554717827, ClinGen allele CA372578961.
Genomic context (GRCh38, chr8:143,932,678, plus strand): 5'-GCCCTGCCCCCACTCACCAGCAGCTTGGCGTACTGCAGGTCCAGCCGACCCAGGCAGTCA[C>T]GGTAGGCACCCCGGGTGGCGGGGGAGAGCTGGCCCTGCAACAGATGAGACGGTGAGGTCT-3'
Protein context (NP_958786.1, residues 581-601): QLSPATRGAY[Arg591His]DCLGRLDLQY

ClinVar aggregate classification (germline): Uncertain significance. Review status: criteria provided, multiple submitters, no conflicts (2 of 4 stars). 2 submissions from 2 submitters: Uncertain significance (2). Last evaluated 2024-03-29.

Conditions:
Epidermolysis bullosa simplex, Ogna type (EBS5A). Also called: Pidermolysis bullosa simplex 5A, Ogna type; EPIDERMOLYSIS BULLOSA SIMPLEX 5A, OGNA TYPE. Identifiers: Orphanet 79401, MedGen C0432317, MONDO:0007555, OMIM 131950.
Epidermolysis bullosa simplex 5C, with pyloric atresia (EBS5C). Also called: PLEC1-Related Epidermolysis Bullosa with Pyloric Atresia; PLEC-Related Epidermolysis Bullosa with Pyloric Atresia; Epidermolysis bullosa simplex with pyloric atresia. Identifiers: Orphanet 158684, MedGen C2677349, MONDO:0012807, OMIM 612138.
Autosomal recessive limb-girdle muscular dystrophy type 2Q (LGMDR17). Also called: MUSCULAR DYSTROPHY, LIMB-GIRDLE, AUTOSOMAL RECESSIVE 17. Identifiers: Orphanet 254361, MedGen C3150989, MONDO:0013390, OMIM 613723.
Epidermolysis bullosa simplex with nail dystrophy (EBS5D). Identifiers: MedGen C4225309, MONDO:0014661, OMIM 616487.
Epidermolysis bullosa simplex 5B, with muscular dystrophy (EBS5B). Also called: EPIDERMOLYSIS BULLOSA SIMPLEX AND LIMB-GIRDLE MUSCULAR DYSTROPHY; Epidermolysis bullosa simplex with muscular dystrophy. Identifiers: Orphanet 257, MedGen C2931072, MONDO:0009181, OMIM 226670.

Allele frequency attached by ClinVar (database versions not stated): gnomAD exomes 0.00001 and 0.00002.
gnomAD v4.1: 27 of 1,610,126 alleles (0.0017%); highest among the groups gnomAD compares: Middle Eastern, 0.033%; no homozygotes.

Submissions (2):

Labcorp Genetics (formerly Invitae), Labcorp
Classification: Uncertain significance for Autosomal recessive limb-girdle muscular dystrophy type 2Q; Epidermolysis bullosa simplex, Ogna type; Epidermolysis bullosa simplex with nail dystrophy; Epidermolysis bullosa simplex 5C, with pyloric atresia; Epidermolysis bullosa simplex 5B, with muscular dystrophy. Last evaluated: 2024-03-29. Review status: criteria provided, single submitter. Criteria: Invitae Variant Classification Sherloc (09022015). Collection method: clinical testing. Allele origin: germline.
Comment: This sequence change replaces arginine, which is basic and polar, with histidine, which is basic and polar, at codon 618 of the PLEC protein (p.Arg618His). This variant is present in population databases (no rsID available, gnomAD 0.005%). This variant has not been reported in the literature in individuals affected with PLEC-related conditions. ClinVar contains an entry for this variant (Variation ID: 950902). Advanced modeling of protein sequence and biophysical properties (such as structural, functional, and spatial information, amino acid conservation, physicochemical variation, residue mobility, and thermodynamic stability) performed at Invitae indicates that this missense variant is not expected to disrupt PLEC protein function with a negative predictive value of 80%. In summary, the available evidence is currently insufficient to determine the role of this variant in disease. Therefore, it has been classified as a Variant of Uncertain Significance.

Blueprint Genetics
Classification: Uncertain significance. Last evaluated: 2023-11-09. Review status: criteria provided, single submitter. Criteria: ACMG Guidelines, 2015. Collection method: clinical testing. Allele origin: germline.